The following is an entry in ClinVar:

ClinVar aggregate classification (germline): Pathogenic. Review status: criteria provided, multiple submitters, no conflicts (2 of 4 stars). 2 submissions from 2 submitters: Pathogenic (2). Last evaluated 2024-09-23.

Conditions:
Charcot-Marie-Tooth disease axonal type 2V. Also called: CHARCOT-MARIE-TOOTH NEUROPATHY, TYPE 2V; CHARCOT-MARIE-TOOTH DISEASE, AXONAL, AUTOSOMAL DOMINANT, TYPE 2V. Identifiers: Orphanet 447964, MedGen C5569050, MONDO:0014665, OMIM 616491.
Mucopolysaccharidosis, MPS-III-B (MPS3B). Also called: MPS IIIB (Sanfilippo Syndrome Type B); N-ACETYL-ALPHA-D-GLUCOSAMINIDASE DEFICIENCY; NAGLU DEFICIENCY; MUCOPOLYSACCHARIDOSIS, TYPE IIIB; Mucopolysaccharidosis type IIIB (Sanfilippo B); SANFILIPPO SYNDROME B. Identifiers: Orphanet 79270, MedGen C0086648, MONDO:0009656, OMIM 252920.

Submissions (2):

Labcorp Genetics (formerly Invitae), Labcorp
Classification: Pathogenic for Charcot-Marie-Tooth disease axonal type 2V; Mucopolysaccharidosis, MPS-III-B. Last evaluated: 2024-09-23. Review status: criteria provided, single submitter. Criteria: Invitae Variant Classification Sherloc (09022015). Collection method: clinical testing. Allele origin: germline.
Comment: This sequence change creates a premature translational stop signal (p.Thr137Lysfs*17) in the NAGLU gene. It is expected to result in an absent or disrupted protein product. Loss-of-function variants in NAGLU are known to be pathogenic (PMID: 9832037, 10094189, 16151907). This variant is not present in population databases (gnomAD no frequency). This premature translational stop signal has been observed in individual(s) with mucopolysaccharidosis type IIIB (PMID: 16151907). This variant is also known as 407-410del4. ClinVar contains an entry for this variant (Variation ID: 1343458). For these reasons, this variant has been classified as Pathogenic.

Women's Health and Genetics/Laboratory Corporation of America, LabCorp
Classification: Pathogenic for Mucopolysaccharidosis, MPS-III-B. Last evaluated: 2022-02-08. Review status: criteria provided, single submitter. Criteria: LabCorp Variant Classification Summary - May 2015. Collection method: clinical testing. Allele origin: germline.
Comment: Variant summary: NAGLU c.410_413delCGCA (p.Thr137LysfsX17) results in a premature termination codon, predicted to cause a truncation of the encoded protein or absence of the protein due to nonsense mediated decay, which are commonly known mechanisms for disease. Truncations downstream of this position have been classified as pathogenic by our laboratory. The variant was absent in 251458 control chromosomes. c.410_413delCGCA has been reported in the literature as a compound heterozygous genotype or with a second allele not specified in at-least two individuals from families affected with Mucopolysaccharidosis Type IIIB (Sanfilippo Syndrome B) (example, Beesley_2005). To our knowledge, no variant specific experimental evidence demonstrating an impact on protein function has been reported although the reported patients with this variant displayed classic features of disease confirmed by quantitative analysis of urinary glycosaminoglycan (GAGs) and enzyme assay for NAGLU (alpha-N-acetylglucosaminidase) (example, Beesley_2005). No clinical diagnostic laboratories have submitted clinical-significance assessments for this variant to ClinVar after 2014. Based on the evidence outlined above, the variant was classified as pathogenic.

Literature cited by the submitters: PubMed 9832037 (cited by Labcorp Genetics (formerly Invitae), Labcorp); PubMed 10094189 (cited by Labcorp Genetics (formerly Invitae), Labcorp); PubMed 16151907 (cited by Labcorp Genetics (formerly Invitae), Labcorp and Women's Health and Genetics/Laboratory Corporation of America, LabCorp).

NM_000263.4(NAGLU):c.410_413del (p.Thr137fs)

Gene: NAGLU (N-acetyl-alpha-glucosaminidase; plus strand). Cytogenetic location: 17q21.2.
Variant type: Deletion.
Coding change: c.410_413del on transcript NM_000263.4 (MANE Select); coding-DNA positions 410 to 413, 4 bases deleted (CGCA; older notation c.410_413delCGCA).
Protein change: p.Thr137fs; shifts the reading frame from threonine 137.
Molecular consequence: frameshift variant.
Genome position (GRCh38, 1-based): chr17:42,537,424-42,537,427, CGCA deleted; deleting any 4 consecutive bases within chr17:42,537,421-42,537,427 gives the same sequence; the c. name uses the placement nearest the transcript's 3' end. VCF-style (leftmost placement, unchanged base first): chr17-42537420-TGCAC-T. GRCh37 (hg19) VCF-style: chr17-40689438-TGCAC-T.
Other names: short protein forms T137fs.
Identifiers: ClinVar variation 1343458 (VCV001343458.3), dbSNP rs1460796923, ClinGen allele CA772110264.